The following is an entry in ClinVar:

ClinVar aggregate classification (germline): Uncertain significance. Review status: criteria provided, multiple submitters, no conflicts (2 of 4 stars). 3 submissions from 3 submitters: Uncertain significance (3). Last evaluated 2024-10-31.

Conditions:
Pyogenic arthritis-pyoderma gangrenosum-acne syndrome (PAPA). Also called: PAPA SYNDROME; FAMILIAL RECURRENT ARTHRITIS. Identifiers: Orphanet 69126, MedGen C1858361, MONDO:0011462, OMIM 604416.
Inborn genetic diseases. Identifiers: MedGen C0950123, MeSH D030342.

Allele frequency attached by ClinVar (database versions not stated): gnomAD 0.00005; TOPMed 0.00005; gnomAD exomes 0.00006 and 0.00023; ExAC 0.00008.
gnomAD v4.1: 338 of 1,612,400 alleles (0.021%); highest among the groups gnomAD compares: Non-Finnish European, 0.027%; no homozygotes.

Submissions (3):

Labcorp Genetics (formerly Invitae), Labcorp
Classification: Uncertain significance for Pyogenic arthritis-pyoderma gangrenosum-acne syndrome. Last evaluated: 2024-10-31. Review status: criteria provided, single submitter. Criteria: Invitae Variant Classification Sherloc (09022015). Collection method: clinical testing. Allele origin: germline.
Comment: This sequence change replaces isoleucine, which is neutral and non-polar, with threonine, which is neutral and polar, at codon 195 of the PSTPIP1 protein (p.Ile195Thr). This variant is present in population databases (rs771232034, gnomAD 0.01%). This variant has not been reported in the literature in individuals affected with PSTPIP1-related conditions. ClinVar contains an entry for this variant (Variation ID: 582444). Invitae Evidence Modeling of protein sequence and biophysical properties (such as structural, functional, and spatial information, amino acid conservation, physicochemical variation, residue mobility, and thermodynamic stability) indicates that this missense variant is not expected to disrupt PSTPIP1 protein function with a negative predictive value of 80%. In summary, the available evidence is currently insufficient to determine the role of this variant in disease. Therefore, it has been classified as a Variant of Uncertain Significance.

Ambry Genetics
Classification: Uncertain significance for Inborn genetic diseases. Last evaluated: 2024-05-21. Review status: criteria provided, single submitter. Criteria: Ambry Variant Classification Scheme 2023. Collection method: clinical testing. Allele origin: germline.

ARUP Laboratories, Molecular Genetics and Genomics, ARUP Laboratories
Classification: Uncertain significance for Pyogenic arthritis-pyoderma gangrenosum-acne syndrome. Last evaluated: 2020-03-16. Review status: criteria provided, single submitter. Criteria: ARUP Molecular Germline Variant Investigation Process. Collection method: clinical testing. Allele origin: germline.
Comment: The PSTPIP1 c.584T>C; p.Ile195Thr variant (rs771232034), to our knowledge, is not reported in the medical literature but is reported in ClinVar (Variation ID: 582444). This variant is found in the non-Finnish European population with an allele frequency of 0.013% (15/111560 alleles) in the Genome Aggregation Database. The isoleucine at codon 195 is moderately conserved, and computational analyses (SIFT: damaging, PolyPhen-2: benign) predict conflicting effects of this variant on protein structure/function. Due to limited information, the clinical significance of the p.Ile195Thr variant is uncertain at this time.

NM_003978.5(PSTPIP1):c.584T>C (p.Ile195Thr)

Gene: PSTPIP1 (proline-serine-threonine phosphatase interacting protein 1; plus strand). Cytogenetic location: 15q24.3.
Variant type: single nucleotide variant.
Coding change: c.584T>C on transcript NM_003978.5 (MANE Select); coding-DNA position 584, T replaced by C.
Protein change: p.Ile195Thr; replaces isoleucine 195 with threonine.
Molecular consequence: missense variant.
Genome position (GRCh38, 1-based): chr15:77,030,523, T>C. VCF-style: chr15-77030523-T-C. GRCh37 (hg19) VCF-style: chr15-77322864-T-C.
Other names: c.584T>C (LRG_172t1); c.584T>C, p.Ile195Thr (NM_001321135.2); c.557T>C, p.Ile186Thr (NM_001321136.2); c.779T>C, p.Ile260Thr (NM_001321137.1); short protein forms I195T, I186T, I260T.
Identifiers: ClinVar variation 582444 (VCV000582444.16), dbSNP rs771232034, ClinGen allele CA7675893.
Genomic context (GRCh38, chr15:77,030,523, plus strand): 5'-TCGTGTCAGGGCCCTCCCTGAGGCTGCCTGCGCTTTCAGAGCGGGTATACAGGCAGAGCA[T>C]TGCGCAGCTGGAGAAGGTCCGGGCTGAGTGGGAGCAGGAGCACCGGACCACCTGTGAGGT-3'
Protein context (NP_003969.2, residues 185-205): TEAERVYRQS[Ile195Thr]AQLEKVRAEW